The following is an entry in ClinVar:

NM_001165963.4(SCN1A):c.808A>G (p.Met270Val)

Gene: SCN1A (sodium voltage-gated channel alpha subunit 1; minus strand). Cytogenetic location: 2q24.3.
Variant type: single nucleotide variant.
Coding change: c.808A>G on transcript NM_001165963.4 (MANE Select); coding-DNA position 808, A replaced by G.
Protein change: p.Met270Val; replaces methionine 270 with valine.
Molecular consequence: missense variant. On other transcripts: 5 prime UTR variant (1), non-coding transcript variant (1).
Genome position (GRCh38, 1-based): chr2:166,051,875, T>C on the plus strand (A>G on the coding strand, the complement: SCN1A is on the minus strand). VCF-style: chr2-166051875-T-C. GRCh37 (hg19) VCF-style: chr2-166908385-T-C.
Other names: c.808A>G, p.Met270Val (NM_001165964.3, NM_001202435.3, NM_001353948.2 and 10 more transcripts); c.-1618A>G (NM_001353961.2); short protein forms M270V.
Identifiers: ClinVar variation 2505226 (VCV002505226.3), dbSNP rs2468223386, ClinGen allele CA349073253.
Genomic context (GRCh38, chr2:166,051,875, plus strand): 5'-GTTCCTCCAAGGAAGCATTGGTGGGAGGCCATTGTATACATTTATTCCTCAGGTTGCCCA[T>C]GAACAGCTGCAGCCCAATTAGAGCAAATACGCTCAGACAGAACACAGTCAGGATCATTAC-3'
Protein context (NP_001159435.1, residues 260-280): VFALIGLQLF[Met270Val]GNLRNKCIQW

ClinVar aggregate classification (germline): Uncertain significance. Review status: criteria provided, multiple submitters, no conflicts (2 of 4 stars). 2 submissions from 2 submitters: Uncertain significance (2). Last evaluated 2024-11-07.

Conditions:
Early-infantile DEE. Also called: Early infantile epileptic encephalopathy; Ohtahara syndrome; Early infantile epileptic encephalopathy with suppression bursts. Identifiers: Orphanet 1934, MedGen C0393706, MONDO:0800491.

Submissions (2):

Labcorp Genetics (formerly Invitae), Labcorp
Classification: Uncertain significance for Early-infantile DEE. Last evaluated: 2024-11-07. Review status: criteria provided, single submitter. Criteria: Invitae Variant Classification Sherloc (09022015). Collection method: clinical testing. Allele origin: germline.
Comment: This sequence change replaces methionine, which is neutral and non-polar, with valine, which is neutral and non-polar, at codon 270 of the SCN1A protein (p.Met270Val). This variant is not present in population databases (gnomAD no frequency). This variant has not been reported in the literature in individuals affected with SCN1A-related conditions. ClinVar contains an entry for this variant (Variation ID: 2505226). Invitae Evidence Modeling of protein sequence and biophysical properties (such as structural, functional, and spatial information, amino acid conservation, physicochemical variation, residue mobility, and thermodynamic stability) indicates that this missense variant is expected to disrupt SCN1A protein function with a positive predictive value of 95%. In summary, the available evidence is currently insufficient to determine the role of this variant in disease. Therefore, it has been classified as a Variant of Uncertain Significance.

Greenwood Genetic Center Diagnostic Laboratories, Greenwood Genetic Center
Classification: Uncertain significance. Last evaluated: 2023-01-19. Review status: criteria provided, single submitter. Criteria: ACMG Guidelines, 2015. Collection method: clinical testing. Allele origin: germline. Affected: yes.
Comment: PM1_Supporting, PM2, PP2, PP3